The following is an entry in ClinVar:

ClinVar aggregate classification (germline): Uncertain significance. Review status: criteria provided, multiple submitters, no conflicts (2 of 4 stars). 3 submissions from 3 submitters: Uncertain significance (3). Last evaluated 2025-09-08.

Allele frequency attached by ClinVar (database versions not stated): gnomAD exomes below 0.00001.
gnomAD v4.1: 1 of 1,606,320 alleles (0.000062%); highest among the groups gnomAD compares: Non-Finnish European, 0.000085%; no homozygotes.

Submissions (3):

Labcorp Genetics (formerly Invitae), Labcorp
Classification: Uncertain significance. Last evaluated: 2025-09-08. Review status: criteria provided, single submitter. Criteria: Invitae Variant Classification Sherloc (09022015). Collection method: clinical testing. Allele origin: germline.
Comment: This sequence change creates a premature translational stop signal (p.Glu18*) in the DNA2 gene. It is expected to result in an absent or disrupted protein product. However, the current clinical and genetic evidence is not sufficient to establish whether loss-of-function variants in DNA2 cause disease. This variant is not present in population databases (gnomAD no frequency). This variant has not been reported in the literature in individuals affected with DNA2-related conditions. ClinVar contains an entry for this variant (Variation ID: 493073). Algorithms developed to predict the effect of sequence changes on RNA splicing suggest that this variant may disrupt the consensus splice site. In summary, the available evidence is currently insufficient to determine the role of this variant in disease. Therefore, it has been classified as a Variant of Uncertain Significance.

Women's Health and Genetics/Laboratory Corporation of America, LabCorp
Classification: Uncertain significance. Last evaluated: 2023-09-08. Review status: criteria provided, single submitter. Criteria: LabCorp Variant Classification Summary - May 2015. Collection method: clinical testing. Allele origin: germline.
Comment: Variant summary: DNA2 c.52G>T (p.Glu18X) results in a premature termination codon, predicted to cause a truncation of the encoded protein or absence of the protein due to nonsense mediated decay, however current evidences are not sufficient to establish as loss-of-function in molecular mechanism of disease. The variant was absent in 243708 control chromosomes. The available data on variant occurrences in the general population are insufficient to allow any conclusion about variant significance. To our knowledge, no occurrence of c.52G>T in individuals affected with Progressive External Ophthalmoplegia With Mitochondrial DNA Deletions, Autosomal Dominant 6 and no experimental evidence demonstrating its impact on protein function have been reported. One submitter has cited clinical-significance assessments for this variant to ClinVar after 2014 and has classified the variant as uncertain significance. Based on the evidence outlined above, the variant was classified as uncertain significance.

CeGaT Center for Human Genetics Tuebingen
Classification: Uncertain significance. Last evaluated: 2017-10-01. Review status: criteria provided, single submitter. Criteria: CeGaT Center For Human Genetics Tuebingen Variant Classification Criteria Version 2. Collection method: clinical testing. Allele origin: germline. Affected: yes. Observed: 1 variant allele.

NM_001080449.3(DNA2):c.52G>T (p.Glu18Ter)

Gene: DNA2 (DNA replication helicase/nuclease 2; minus strand). Cytogenetic location: 10q21.3.
Variant type: single nucleotide variant.
Coding change: c.52G>T on transcript NM_001080449.3 (MANE Select); coding-DNA position 52, G replaced by T.
Protein change: p.Glu18Ter; replaces glutamic acid 18 with a stop codon.
Molecular consequence: nonsense. On other transcripts: non-coding transcript variant (1).
Genome position (GRCh38, 1-based): chr10:68,471,813, C>A on the plus strand (G>T on the coding strand, the complement: DNA2 is on the minus strand). VCF-style: chr10-68471813-C-A. GRCh37 (hg19) VCF-style: chr10-70231570-C-A.
Other names: c.52G>T (NM_001080449.2); short protein forms E18*.
Identifiers: ClinVar variation 493073 (VCV000493073.45), dbSNP rs1554911818, ClinGen allele CA376833699.